The following is an entry in ClinVar:

NM_001283009.2(RTEL1):c.2003G>T (p.Gly668Val)

Genes: RTEL1 (regulator of telomere elongation helicase 1; plus strand), RTEL1-TNFRSF6B (RTEL1-TNFRSF6B readthrough (NMD candidate); plus strand). Cytogenetic location: 20q13.33.
Variant type: single nucleotide variant.
Coding change: c.2003G>T on transcript NM_001283009.2 (MANE Select); coding-DNA position 2003, G replaced by T.
Protein change: p.Gly668Val; replaces glycine 668 with valine.
Molecular consequence: missense variant. On other transcripts: non-coding transcript variant (1).
Genome position (GRCh38, 1-based): chr20:63,689,626, G>T. VCF-style: chr20-63689626-G-T. GRCh37 (hg19) VCF-style: chr20-62320979-G-T.
Other names: c.1334G>T, p.Gly445Val (NM_001283010.1); c.2003G>T, p.Gly668Val (NM_016434.4); c.2075G>T, p.Gly692Val (NM_032957.5); short protein forms G445V, G668V, G692V.
Identifiers: ClinVar variation 3791071 (VCV003791071.1).

ClinVar aggregate classification (germline): Uncertain significance (1 of 4 stars; one submission).

Conditions:
Inborn genetic diseases. Identifiers: MedGen C0950123, MeSH D030342.

Submission:

Ambry Genetics
Classification: Uncertain significance for Inborn genetic diseases. Last evaluated: 2025-01-17. Review status: criteria provided, single submitter. Criteria: Ambry Variant Classification Scheme 2023. Collection method: clinical testing. Allele origin: germline.
Comment: The p.G668V variant (also known as c.2003G>T), located in coding exon 22 of the RTEL1 gene, results from a G to T substitution at nucleotide position 2003. The glycine at codon 668 is replaced by valine, an amino acid with dissimilar properties. This amino acid position is conserved. In addition, this alteration is predicted to be tolerated by in silico analysis. Based on the available evidence, the clinical significance of this variant remains unclear.